The following is an entry in ClinVar:

ClinVar aggregate classification (somatic clinical impact): Tier II - Potential (1 of 4 stars; one submission).

Conditions:
Primary intracranial sarcoma, DICER1-mutant. Identifiers: MedGen C5670660, MONDO:0858967.

Submission:

Institute for Genomic Medicine (IGM) Clinical Laboratory, Nationwide Children's Hospital
Classification: Tier II - Potential for Primary intracranial sarcoma, DICER1-mutant. Assertion type: diagnostic. Clinical significance: supports diagnosis. Last evaluated: 2022-11-24. Review status: criteria provided, single submitter. Criteria: AMP/ASCO/CAP Guidelines, 2017. Collection method: clinical testing. Allele origin: somatic. Affected: yes.
Comment: Variant has Tier II (potential) clinical significance as a diagnostic inclusion criterion in primary intracranial sarcoma, DICER1-mutant, based on the following evidence: 1) Assists in diagnosis alone or along with other biomarkers based on small studies or few case reports (Evidence Level D).

NM_001379451.1(BCORL1):c.3322_3325dup (p.Asp1109delinsGlyTer)

Gene: BCORL1 (BCL6 corepressor like 1; plus strand). Cytogenetic location: Xq26.1.
Variant type: Duplication.
Coding change: c.3322_3325dup on transcript NM_001379451.1 (MANE Select); coding-DNA positions 3322 to 3325, 4 bases duplicated (GATG; older notation c.3322_3325dupGATG).
Protein change: p.Asp1109delinsGlyTer.
Molecular consequence: nonsense.
Genome position (GRCh38, 1-based): chrX:130,016,094-130,016,097, GATG duplicated. VCF-style (leftmost placement, unchanged base first): chrX-130016093-A-AGATG. GRCh37 (hg19) VCF-style: chrX-129150069-A-AGATG.
Other names: c.3322_3325dup, p.Asp1109delinsGlyTer (NM_001184772.3, NM_001379450.1, NM_001441326.1 and 7 more transcripts).
Identifiers: ClinVar variation 4530164 (VCV004530164.1).